The following is an entry in ClinVar:

NM_014251.3(SLC25A13):c.1894C>T (p.Pro632Ser)

Gene: SLC25A13 (solute carrier family 25 member 13; minus strand). Cytogenetic location: 7q21.3.
Variant type: single nucleotide variant.
Coding change: c.1894C>T on transcript NM_014251.3 (MANE Select); coding-DNA position 1894, C replaced by T.
Protein change: p.Pro632Ser; replaces proline 632 with serine.
Molecular consequence: missense variant. On other transcripts: non-coding transcript variant (1).
Genome position (GRCh38, 1-based): chr7:96,121,325, G>A on the plus strand (C>T on the coding strand, the complement: SLC25A13 is on the minus strand). VCF-style: chr7-96121325-G-A. GRCh37 (hg19) VCF-style: chr7-95750637-G-A.
Other names: c.1897C>T, p.Pro633Ser (NM_001160210.2); short protein forms P633S, P632S.
Identifiers: ClinVar variation 1499984 (VCV001499984.6), dbSNP rs2116380826, ClinGen allele CA368257412.

ClinVar aggregate classification (germline): Uncertain significance (1 of 4 stars; one submission).

Conditions:
Citrin deficiency. Identifiers: Orphanet 247582, MedGen C1997910, MONDO:0016602.

Submission:

Labcorp Genetics (formerly Invitae), Labcorp
Classification: Uncertain significance for Citrin deficiency. Last evaluated: 2021-09-20. Review status: criteria provided, single submitter. Criteria: Invitae Variant Classification Sherloc (09022015). Collection method: clinical testing. Allele origin: germline.
Comment: This sequence change replaces proline with serine at codon 632 of the SLC25A13 protein (p.Pro632Ser). The proline residue is moderately conserved and there is a moderate physicochemical difference between proline and serine. This variant is not present in population databases (ExAC no frequency). In summary, the available evidence is currently insufficient to determine the role of this variant in disease. Therefore, it has been classified as a Variant of Uncertain Significance. Advanced modeling of protein sequence and biophysical properties (such as structural, functional, and spatial information, amino acid conservation, physicochemical variation, residue mobility, and thermodynamic stability) performed at Invitae indicates that this missense variant is not expected to disrupt SLC25A13 protein function. This variant has not been reported in the literature in individuals affected with SLC25A13-related conditions.